The following is an entry in ClinVar:

ClinVar aggregate classification (germline): Benign/Likely benign. Review status: criteria provided, multiple submitters, no conflicts (2 of 4 stars). 3 submissions from 3 submitters: Benign (1); Likely benign (2). Last evaluated 2025-03-06.

Allele frequency attached by ClinVar (database versions not stated): 1000 Genomes Project 30x 0.00021; 1000 Genomes Project 0.00026; ExAC 0.00045; ESP Exome Variant Server 0.00047; gnomAD exomes 0.00054 and 0.00085; gnomAD 0.00060 and 0.00061; TOPMed 0.00062.

Submissions (3):

Labcorp Genetics (formerly Invitae), Labcorp
Classification: Benign. Last evaluated: 2025-03-06. Review status: criteria provided, single submitter. Criteria: Invitae Variant Classification Sherloc (09022015). Collection method: clinical testing. Allele origin: germline.

Blueprint Genetics
Classification: Likely benign. Last evaluated: 2024-10-15. Review status: criteria provided, single submitter. Criteria: ACMG Guidelines, 2015. Collection method: clinical testing. Allele origin: germline.

GeneDx
Classification: Likely benign. Last evaluated: 2017-05-04. Review status: criteria provided, single submitter. Criteria: GeneDx Variant Classification (06012015). Collection method: clinical testing. Allele origin: germline. Affected: yes.
Comment: This variant is considered likely benign or benign based on one or more of the following criteria: it is a conservative change, it occurs at a poorly conserved position in the protein, it is predicted to be benign by multiple in silico algorithms, and/or has population frequency not consistent with disease.

NM_006280.3(SSR4):c.120C>T (p.Asp40=)

Gene: SSR4 (signal sequence receptor subunit 4; plus strand). Cytogenetic location: Xq28.
Variant type: single nucleotide variant.
Coding change: c.120C>T on transcript NM_006280.3 (MANE Select); coding-DNA position 120, C replaced by T.
Protein change: p.Asp40=; no amino-acid change (aspartic acid 40 retained).
Molecular consequence: synonymous variant.
Genome position (GRCh38, 1-based): chrX:153,796,486, C>T. VCF-style: chrX-153796486-C-T. GRCh37 (hg19) VCF-style: chrX-153061941-C-T.
Other names: c.153C>T, p.Asp51= (NM_001204526.2); c.144C>T, p.Asp48= (NM_001204527.2).
Identifiers: ClinVar variation 382063 (VCV000382063.11), dbSNP rs139415367, ClinGen allele CA10553249.